The following is an entry in ClinVar:

ClinVar aggregate classification (germline): Uncertain significance (1 of 4 stars; one submission).

Conditions:
CBL-related disorder. Also called: NOONAN SYNDROME-LIKE DISORDER WITHOUT JUVENILE MYELOMONOCYTIC LEUKEMIA; CBL MUTATION-ASSOCIATED SYNDROME; CBL SYNDROME. Identifiers: Orphanet 363972, MedGen C3150803, MONDO:0013308, OMIM 613563.

Submission:

Centre for Mendelian Genomics, University Medical Centre Ljubljana
Classification: Uncertain significance for CBL-related disorder. Last evaluated: 2018-11-07. Review status: criteria provided, single submitter. Criteria: ACMG Guidelines, 2015. Collection method: clinical testing. Allele origin: unknown. Affected: yes.
Comment: This variant was classified as: Uncertain significance. The available evidence on this variant's pathogenicity is insufficient or conflicting. The following ACMG criteria were applied in classifying this variant: PM2,PP3.

NM_005188.4(CBL):c.508C>T (p.Pro170Ser)

Gene: CBL (Cbl proto-oncogene; plus strand). Cytogenetic location: 11q23.3.
Variant type: single nucleotide variant.
Coding change: c.508C>T on transcript NM_005188.4 (MANE Select); coding-DNA position 508, C replaced by T.
Protein change: p.Pro170Ser; replaces proline 170 with serine.
Molecular consequence: missense variant.
Genome position (GRCh38, 1-based): chr11:119,271,799, C>T. VCF-style: chr11-119271799-C-T. GRCh37 (hg19) VCF-style: chr11-119142509-C-T.
Other names: short protein forms P170S.
Identifiers: ClinVar variation 931288 (VCV000931288.3), dbSNP rs1949851157, ClinGen allele CA382907384.